The following is an entry in ClinVar:

NM_001035.3(RYR2):c.365G>T (p.Arg122Leu)

Gene: RYR2 (ryanodine receptor 2; plus strand). Cytogenetic location: 1q43.
Variant type: single nucleotide variant.
Coding change: c.365G>T on transcript NM_001035.3 (MANE Select); coding-DNA position 365, G replaced by T.
Protein change: p.Arg122Leu; replaces arginine 122 with leucine.
Molecular consequence: missense variant.
Genome position (GRCh38, 1-based): chr1:237,369,589, G>T. VCF-style: chr1-237369589-G-T. GRCh37 (hg19) VCF-style: chr1-237532889-G-T.
Other names: short protein forms R122L.
Identifiers: ClinVar variation 1003161 (VCV001003161.10), dbSNP rs727503396, ClinGen allele CA345655022.

ClinVar aggregate classification (germline): Uncertain significance (1 of 4 stars; one submission).

Conditions:
Catecholaminergic polymorphic ventricular tachycardia 1. Also called: RYR2-Related Catecholaminergic Polymorphic Ventricular Tachycardia; VENTRICULAR TACHYCARDIA, CATECHOLAMINERGIC POLYMORPHIC, 1, WITH OR WITHOUT ATRIAL DYSFUNCTION AND/OR DILATED CARDIOMYOPATHY; VENTRICULAR TACHYCARDIA, STRESS-INDUCED POLYMORPHIC 1. Identifiers: Orphanet 3286, MedGen C1631597, MONDO:0011484, OMIM 604772.

Submission:

Labcorp Genetics (formerly Invitae), Labcorp
Classification: Uncertain significance for Catecholaminergic polymorphic ventricular tachycardia 1. Last evaluated: 2022-10-24. Review status: criteria provided, single submitter. Criteria: Invitae Variant Classification Sherloc (09022015). Collection method: clinical testing. Allele origin: germline.
Comment: This sequence change replaces arginine, which is basic and polar, with leucine, which is neutral and non-polar, at codon 122 of the RYR2 protein (p.Arg122Leu). This variant is not present in population databases (gnomAD no frequency). This missense change has been observed in individual(s) with clinical features of RYR2-related conditions (Invitae). ClinVar contains an entry for this variant (Variation ID: 1003161). Advanced modeling of protein sequence and biophysical properties (such as structural, functional, and spatial information, amino acid conservation, physicochemical variation, residue mobility, and thermodynamic stability) performed at Invitae indicates that this missense variant is not expected to disrupt RYR2 protein function. This variant disrupts the p.Arg122 amino acid residue in RYR2. Other variant(s) that disrupt this residue have been observed in individuals with RYR2-related conditions (PMID: 31112425), which suggests that this may be a clinically significant amino acid residue. In summary, the available evidence is currently insufficient to determine the role of this variant in disease. Therefore, it has been classified as a Variant of Uncertain Significance.

Literature cited by the submitters: PubMed 31112425.